The following is an entry in ClinVar:

NM_025114.4(CEP290):c.5824C>T (p.Gln1942Ter)

Gene: CEP290 (centrosomal protein 290; minus strand). Cytogenetic location: 12q21.32.
Variant type: single nucleotide variant.
Coding change: c.5824C>T on transcript NM_025114.4 (MANE Select); coding-DNA position 5824, C replaced by T.
Protein change: p.Gln1942Ter; replaces glutamine 1942 with a stop codon.
Molecular consequence: nonsense.
Genome position (GRCh38, 1-based): chr12:88,071,812, G>A on the plus strand (C>T on the coding strand, the complement: CEP290 is on the minus strand). VCF-style: chr12-88071812-G-A. GRCh37 (hg19) VCF-style: chr12-88465589-G-A.
Other names: short protein forms Q1942*.
Identifiers: ClinVar variation 2573848 (VCV002573848.7), dbSNP rs763345078, ClinGen allele CA6711636.

ClinVar aggregate classification (germline): Pathogenic. Review status: criteria provided, multiple submitters, no conflicts (2 of 4 stars). 6 submissions from 6 submitters: Pathogenic (6). Last evaluated 2026-01-11.

Conditions:
CEP290-related ciliopathy. Also called: CEP290 ciliopathy. Identifiers: MedGen CN305601, MONDO:0100451.
Meckel-Gruber syndrome. Also called: DYSENCEPHALIA SPLANCHNOCYSTICA; GRUBER SYNDROME; Dysencephalia splachnocystica. Identifiers: Orphanet 564, MedGen C0265215, MONDO:0018921.
Joubert syndrome. Also called: JOUBERT-BOLTSHAUSER SYNDROME; Familial aplasia of the vermis. Identifiers: Orphanet 475, MedGen C5979921, MONDO:0018772.
Nephronophthisis. Also called: Juvenile Nephronophthisis. Identifiers: Orphanet 655, MedGen C0687120, MONDO:0019005, HP:0000090.
CEP290-related disorder. Also called: CEP290-related condition; CEP290-related disorders. Identifiers: MedGen CN239314.
Bardet-Biedl syndrome 14 (BBS14). Identifiers: Orphanet 110, MedGen C2673874, MONDO:0014442, OMIM 615991.
Meckel syndrome, type 4 (MKS4). Also called: MECKEL-GRUBER SYNDROME, TYPE 4. Identifiers: Orphanet 564, MedGen C1970161, MONDO:0012626, OMIM 611134.

Allele frequency attached by ClinVar (database versions not stated): ExAC 0.00002.
gnomAD v4.1: 4 of 1,600,846 alleles (0.00025%); highest among the groups gnomAD compares: Non-Finnish European, 0.00017%; no homozygotes.

Submissions (6):

Labcorp Genetics (formerly Invitae), Labcorp
Classification: Pathogenic for Joubert syndrome; Meckel-Gruber syndrome; Nephronophthisis. Last evaluated: 2026-01-11. Review status: criteria provided, single submitter. Criteria: Invitae Variant Classification Sherloc (09022015). Collection method: clinical testing. Allele origin: germline.
Comment: This sequence change creates a premature translational stop signal (p.Gln1942*) in the CEP290 gene. It is expected to result in an absent or disrupted protein product. Loss-of-function variants in CEP290 are known to be pathogenic (PMID: 16909394, 17345604, 20690115). The frequency data for this variant in the population databases is considered unreliable, as metrics indicate poor data quality at this position in the gnomAD database. This premature translational stop signal has been observed in individual(s) with CEP290-related conditions (PMID: 16682970). ClinVar contains an entry for this variant (Variation ID: 2573848). Algorithms developed to predict the effect of sequence changes on RNA splicing suggest that this variant may disrupt the consensus splice site. For these reasons, this variant has been classified as Pathogenic.

3billion
Classification: Pathogenic for Meckel syndrome, type 4. Last evaluated: 2025-04-16. Review status: criteria provided, single submitter. Criteria: ACMG Guidelines, 2015. Collection method: clinical testing. Allele origin: germline. Affected: yes.
Comment: The variant is observed at an extremely low frequency in the gnomAD v4.1.0 dataset (total allele frequency: <0.001%). Predicted Consequence/Location: Stop-gained (nonsense): predicted to result in a loss or disruption of normal protein function through nonsense-mediated decay (NMD) or protein truncation. Multiple pathogenic variants are reported downstream of the variant.The variant was homozygous. In silico tools predict the variant to alter splicing and produce an abnormal transcript [SpliceAI: 0.20 (spliceogenicity >=0.2, non-spliceogenicity <0.1)]. The variant has been reported at least twice as pathogenic without evidence for the classification (ClinVar ID: VCV002573848 / PMID: 16682970).Therefore, this variant is classified as Pathogenic according to the recommendation of ACMG/AMP guideline.

Myriad Genetics, Inc.
Classification: Pathogenic for CEP290-related ciliopathy. Last evaluated: 2025-02-19. Review status: criteria provided, single submitter. Criteria: Myriad Autosomal Dominant, Autosomal Recessive and X-Linked Classification Criteria (2023). Collection method: clinical testing. Allele origin: unknown.
Comment: NM_025114.3(CEP290):c.5824C>T(Q1942*) is expected to be pathogenic in the context of CEP290-related disorders. This variant is predicted to lead to an abnormal or absent protein product due to the creation of a premature termination codon in CEP290, a gene where loss-of-function variants are known to be pathogenic. Please note: this variant was assessed in the context of healthy population screening.

GeneDx
Classification: Pathogenic. Last evaluated: 2023-09-18. Review status: criteria provided, single submitter. Criteria: GeneDx Variant Classification Process June 2021. Collection method: clinical testing. Allele origin: germline.
Comment: Nonsense variant predicted to result in protein truncation or nonsense mediated decay in a gene for which loss of function is a known mechanism of disease; Not observed at significant frequency in large population cohorts (gnomAD); This variant is associated with the following publications: (PMID: 25525159, 16682970)

Baylor Genetics
Classification: Pathogenic for Bardet-Biedl syndrome 14. Last evaluated: 2023-02-11. Review status: criteria provided, single submitter. Criteria: ACMG Guidelines, 2015. Collection method: clinical testing. Allele origin: unknown.

Blueprint Genetics
Classification: Pathogenic for CEP290-related disorders. Last evaluated: 2018-05-21. Review status: criteria provided, single submitter. Criteria: ACMG Guidelines, 2015. Collection method: clinical testing. Allele origin: germline. Affected: yes. Observed: 1 variant allele.

Literature cited by the submitters: PubMed 16909394 (cited by Labcorp Genetics (formerly Invitae), Labcorp); PubMed 17345604 (cited by Labcorp Genetics (formerly Invitae), Labcorp); PubMed 20690115 (cited by Labcorp Genetics (formerly Invitae), Labcorp); PubMed 16682970 (cited by Labcorp Genetics (formerly Invitae), Labcorp and 3billion).